The following is an entry in ClinVar:

ClinVar aggregate classification (germline): Pathogenic. Review status: reviewed by expert panel (3 of 4 stars). 7 submissions from 7 submitters: Pathogenic (1). 6 of the submissions do not count toward it. Last evaluated 2016-09-08.

Conditions:
Hereditary breast ovarian cancer syndrome. Also called: Hereditary breast and ovarian cancer; Hereditary breast and ovarian cancer syndrome; Breast and ovarian cancer; Hereditary breast and ovarian cancer syndrome (HBOC); Hereditary breast and/or ovarian cancer syndrome; BRCA1- and BRCA2-Associated Hereditary Breast and Ovarian Cancer. Identifiers: Orphanet 145, MedGen C0677776, MeSH D061325, MONDO:0003582. Disease mechanism: loss of function.
Hereditary cancer-predisposing syndrome. Also called: Hereditary Cancer Syndrome; Neoplastic Syndromes, Hereditary; Tumor predisposition; Hereditary neoplastic syndrome. Identifiers: Orphanet 140162, MedGen C0027672, MeSH D009386, MONDO:0015356.
Breast-ovarian cancer, familial, susceptibility to, 2 (BROVCA2). Also called: BRCA2 Hereditary Breast and Ovarian Cancer. Identifiers: Orphanet 145, MedGen C2675520, MONDO:0012933, OMIM 612555. Disease mechanism: loss of function.
Familial cancer of breast. Also called: BREAST CANCER, FAMILIAL; Hereditary breast cancer; hereditary breast carcinoma. Identifiers: Orphanet 227535, MedGen C0346153, MONDO:0016419, OMIM 114480. Disease mechanism: loss of function.

Submissions (7):

Evidence-based Network for the Interpretation of Germline Mutant Alleles (ENIGMA)
Classification: Pathogenic for Breast-ovarian cancer, familial, susceptibility to, 2. Last evaluated: 2016-09-08. Review status: reviewed by expert panel. Criteria: ENIGMA BRCA1/2 Classification Criteria (2015). Collection method: curation. Allele origin: germline.
Comment: Variant allele predicted to encode a truncated non-functional protein.

Ambry Genetics
Classification: Pathogenic for Hereditary cancer-predisposing syndrome. Last evaluated: 2025-07-03. Review status: criteria provided, single submitter. Criteria: Ambry Variant Classification Scheme 2023. Collection method: clinical testing. Allele origin: germline. Not counted in ClinVar's aggregate classification.
Comment: The p.S2052* pathogenic mutation (also known as c.6155C>A), located in coding exon 10 of the BRCA2 gene, results from a C to A substitution at nucleotide position 6155. This changes the amino acid from a serine to a stop codon within coding exon 10. This variant has been identified in multiple individuals who underwent screening for hereditary breast and/or ovarian cancers (e.g. Ikeda N et al. Int J Cancer, 2001 Jan;91:83-8, Sun J et al. Clin Cancer Res, 2017 Oct;23:6113-6119, Bhaskaran SP et al. Int J Cancer, 2019 08;145:962-973, Shao D et al. Cancer Sci, 2020 Feb;111:647-657). This variant is considered to be rare based on population cohorts in the Genome Aggregation Database (gnomAD). In addition to the clinical data presented in the literature, this alteration is expected to result in loss of function by premature protein truncation or nonsense-mediated mRNA decay. As such, this alteration is interpreted as a disease-causing mutation.

Clinical Genomics Laboratory, Washington University in St. Louis
Classification: Pathogenic for Breast-ovarian cancer, familial, susceptibility to, 2. Last evaluated: 2024-06-04. Review status: criteria provided, single submitter. Criteria: ACMG Guidelines, 2015. Collection method: clinical testing. Allele origin: germline. Affected: yes. Not counted in ClinVar's aggregate classification.
Comment: The BRCA2 c.6155C>A (p.Ser2052*) variant has been reported in several individuals undergoing hereditary cancer screening (Borg A et al., PMID: 20104584; Ikeda N et al., PMID: 11149425; Shao D et al., PMID: 31742824) and has been reported in the ClinVar database as a germline pathogenic variant by several submitters. This variant is absent from the general population (gnomAD v.2.1.1), indicating it is not a common variant. This variant causes a premature termination codon, which is predicted to lead to nonsense mediated decay. Additionally, other variants that introduce a premature termination codon in this region have been reported in affected individuals and are considered pathogenic (Rebbeck TR et al., PMID: 29446198). Based on available information and the ACMG/AMP guidelines for variant interpretation (Richards S et al., PMID: 25741868), this variant is classified as pathogenic.

Baylor Genetics
Classification: Pathogenic for Familial cancer of breast. Last evaluated: 2023-08-06. Review status: criteria provided, single submitter. Criteria: ACMG Guidelines, 2015. Collection method: clinical testing. Allele origin: unknown. Not counted in ClinVar's aggregate classification.

Labcorp Genetics (formerly Invitae), Labcorp
Classification: Pathogenic for Hereditary breast ovarian cancer syndrome. Last evaluated: 2023-04-30. Review status: criteria provided, single submitter. Criteria: Invitae Variant Classification Sherloc (09022015). Collection method: clinical testing. Allele origin: germline. Not counted in ClinVar's aggregate classification.
Comment: For these reasons, this variant has been classified as Pathogenic. ClinVar contains an entry for this variant (Variation ID: 185793). This premature translational stop signal has been observed in individual(s) with breast cancer (PMID: 28724667). This variant is not present in population databases (gnomAD no frequency). This sequence change creates a premature translational stop signal (p.Ser2052*) in the BRCA2 gene. It is expected to result in an absent or disrupted protein product. Loss-of-function variants in BRCA2 are known to be pathogenic (PMID: 20104584).

Color Diagnostics, LLC DBA Color Health
Classification: Pathogenic for Hereditary cancer-predisposing syndrome. Last evaluated: 2022-09-19. Review status: criteria provided, single submitter. Criteria: ACMG Guidelines, 2015. Collection method: clinical testing. Allele origin: germline. Not counted in ClinVar's aggregate classification.
Comment: This variant changes 1 nucleotide in exon 11 of the BRCA2 gene, creating a premature translation stop signal. This variant is expected to result in an absent or non-functional protein product. This variant has been reported in an individual affected with breast cancer (PMID: 11149425). This variant has not been identified in the general population by the Genome Aggregation Database (gnomAD). Loss of BRCA2 function is a known mechanism of disease. Based on the available evidence, this variant is classified as Pathogenic.

Quest Diagnostics Nichols Institute San Juan Capistrano
Classification: Pathogenic. Last evaluated: 2017-09-21. Review status: criteria provided, single submitter. Criteria: Quest Diagnostics criteria. Collection method: clinical testing. Allele origin: germline. Not counted in ClinVar's aggregate classification.

Literature cited by the submitters: PubMed 11149425 (cited by Ambry Genetics and Color Diagnostics, LLC DBA Color Health); PubMed 28724667 (cited by Ambry Genetics and Labcorp Genetics (formerly Invitae), Labcorp); PubMed 30702160 (cited by Ambry Genetics); PubMed 31742824 (cited by Ambry Genetics); PubMed 20104584 (cited by Labcorp Genetics (formerly Invitae), Labcorp).

NM_000059.4(BRCA2):c.6155C>A (p.Ser2052Ter)

Gene: BRCA2 (BRCA2 DNA repair associated; plus strand). Cytogenetic location: 13q13.1.
Variant type: single nucleotide variant.
Coding change: c.6155C>A on transcript NM_000059.4 (MANE Select); coding-DNA position 6155, C replaced by A.
Protein change: p.Ser2052Ter; replaces serine 2052 with a stop codon.
Molecular consequence: nonsense.
Genome position (GRCh38, 1-based): chr13:32,340,510, C>A. VCF-style: chr13-32340510-C-A. GRCh37 (hg19) VCF-style: chr13-32914647-C-A.
Other names: short protein forms S2052*.
Identifiers: ClinVar variation 185793 (VCV000185793.26), dbSNP rs786202461, ClinGen allele CA023704.
Genomic context (GRCh38, chr13:32,340,510, plus strand): 5'-CTATACGTACTCCAGAACATTTAATATCCCAAAAAGGCTTTTCATATAATGTGGTAAATT[C>A]ATCTGCTTTCTCTGGATTTAGTACAGCAAGTGGAAAGCAAGTTTCCATTTTAGAAAGTTC-3'